The following is an entry in ClinVar:

NM_001366145.2(TRPM3):c.110G>A (p.Arg37Gln)

Gene: TRPM3 (transient receptor potential cation channel subfamily M member 3; minus strand). Cytogenetic location: 9q21.12.
Variant type: single nucleotide variant.
Coding change: c.110G>A on transcript NM_001366145.2 (MANE Select); coding-DNA position 110, G replaced by A.
Protein change: p.Arg37Gln; replaces arginine 37 with glutamine.
Molecular consequence: missense variant. On other transcripts: intron variant (4).
Genome position (GRCh38, 1-based): chr9:71,121,245, C>T on the plus strand (G>A on the coding strand, the complement: TRPM3 is on the minus strand). VCF-style: chr9-71121245-C-T. GRCh37 (hg19) VCF-style: chr9-73736161-C-T.
Other names: c.110G>A, p.Arg37Gln (NM_001007471.4, NM_001366146.2, NM_001366147.2 and 6 more transcripts); c.184-256734G>A (NM_001366143.2, NM_001366141.2, NM_001366142.2 and 1 more transcripts); short protein forms R37Q.
Identifiers: ClinVar variation 1311385 (VCV001311385.2), dbSNP rs1167096629, ClinGen allele CA373643990.
Genomic context (GRCh38, chr9:71,121,245, plus strand): 5'-AGTCTGACAGATGGAAGAAAGGCTGCGTGGCACAGCTTCCGGATGGTCCAGTTTAGGGGT[C>T]GAGGAGCATCAGCCTGATTCATGACCCCTTCCAAATTCCACCAGGAAAACAAGAAACTGA-3'
Protein context (NP_001353074.1, residues 27-47): EGVMNQADAP[Arg37Gln]PLNWTIRKLC

ClinVar aggregate classification (germline): Uncertain significance (1 of 4 stars; one submission).

Allele frequency attached by ClinVar (database versions not stated): TOPMed below 0.00001; gnomAD 0.00001.
gnomAD v4.1: 1 of 1,613,980 alleles (0.000062%); highest among the groups gnomAD compares: Non-Finnish European, 0.000085%; no homozygotes.

Submission:

GeneDx
Classification: Uncertain significance. Last evaluated: 2019-12-26. Review status: criteria provided, single submitter. Criteria: GeneDx Variant Classification Process June 2021. Collection method: clinical testing. Allele origin: germline. Affected: yes.
Comment: In silico analysis, which includes protein predictors and evolutionary conservation, supports that this variant does not alter protein structure/function; Has not been previously published as pathogenic or benign to our knowledge; Not observed in large population cohorts (Lek et al., 2016)